The following is an entry in ClinVar:

ClinVar aggregate classification (germline): Uncertain significance. Review status: criteria provided, multiple submitters, no conflicts (2 of 4 stars). 3 submissions from 3 submitters: Uncertain significance (3). Last evaluated 2025-01-27.

Allele frequency attached by ClinVar (database versions not stated): gnomAD exomes below 0.00001; TOPMed below 0.00001.
gnomAD v4.1: 7 of 1,613,590 alleles (0.00043%); highest among the groups gnomAD compares: Admixed American, 0.0067%; no homozygotes.

Submissions (3):

GeneDx
Classification: Uncertain significance. Last evaluated: 2025-01-27. Review status: criteria provided, single submitter. Criteria: GeneDx Variant Classification Process June 2021. Collection method: clinical testing. Allele origin: germline. Affected: yes.
Comment: Reported without a second variant in an individual homozygous for a variant in the TMC1 gene (PMID: 23226338); Not observed at significant frequency in large population cohorts (gnomAD); In silico analysis indicates that this missense variant does not alter protein structure/function; This variant is associated with the following publications: (PMID: 23226338)

Blueprint Genetics
Classification: Uncertain significance. Last evaluated: 2019-06-20. Review status: criteria provided, single submitter. Criteria: ACMG Guidelines, 2015. Collection method: clinical testing. Allele origin: germline.

Laboratory for Molecular Medicine, Mass General Brigham Personalized Medicine
Classification: Uncertain significance. Last evaluated: 2015-02-04. Review status: criteria provided, single submitter. Criteria: LMM Criteria. Collection method: clinical testing. Allele origin: germline. Observed: 1 variant allele.
Comment: The p.Ala695Thr variant in TPRN has been previously reported in 1 family with no nsyndromic hearing loss who also carried a homozygous variant in another gene th at was a likely explanation for their hearing loss (Diaz-Horta 2012). The p.Ala6 95Thr variant is absent from large population studies. Computational prediction tools and conservation analysis suggest that this variant may impact the protein , though this information is not predictive enough to determine pathogenicity. I n summary, the clinical significance of the p.Ala695Thr variant is uncertain.

Literature cited by the submitters: PubMed 23226338 (cited by Laboratory for Molecular Medicine, Mass General Brigham Personalized Medicine).

NM_001128228.3(TPRN):c.2083G>A (p.Ala695Thr)

Gene: TPRN (taperin; minus strand). Cytogenetic location: 9q34.3.
Variant type: single nucleotide variant.
Coding change: c.2083G>A on transcript NM_001128228.3 (MANE Select); coding-DNA position 2083, G replaced by A.
Protein change: p.Ala695Thr; replaces alanine 695 with threonine.
Molecular consequence: missense variant.
Genome position (GRCh38, 1-based): chr9:137,192,165, C>T on the plus strand (G>A on the coding strand, the complement: TPRN is on the minus strand). VCF-style: chr9-137192165-C-T. GRCh37 (hg19) VCF-style: chr9-140086617-C-T.
Other names: short protein forms A695T.
Identifiers: ClinVar variation 229344 (VCV000229344.7), dbSNP rs876658034, ClinGen allele CA10576748.
Genomic context (GRCh38, chr9:137,192,165, plus strand): 5'-GCTGGGCTCAGAAATACAGGGCTGGCTCGCTGCGGAAGTCCGAGAGGTCATTCTGACTGG[C>T]GGGTGTGAGCTGAAAGTGAGAGGACAGAATGTGGACACATGGGCTCGCCCGGGTGTCAGA-3'
Protein context (NP_001121700.2, residues 685-705): PPPVEAMLTP[Ala695Thr]SQNDLSDFRS